The following is an entry in ClinVar:

ClinVar aggregate classification (germline): Conflicting classifications of pathogenicity. Review status: criteria provided, conflicting classifications (1 of 4 stars). 2 submissions from 2 submitters: Uncertain significance (1); Likely benign (1). Last evaluated 2026-02-01.

Submissions (2):

CeGaT Center for Human Genetics Tuebingen
Classification: Likely benign. Last evaluated: 2026-02-01. Review status: criteria provided, single submitter. Criteria: CeGaT Center For Human Genetics Tuebingen Variant Classification Criteria Version 2. Collection method: clinical testing. Allele origin: germline. Affected: yes. Observed: 3 variant alleles.
Comment: DLL1: BP4

Labcorp Genetics (formerly Invitae), Labcorp
Classification: Uncertain significance. Last evaluated: 2025-03-04. Review status: criteria provided, single submitter. Criteria: Invitae Variant Classification Sherloc (09022015). Collection method: clinical testing. Allele origin: germline.
Comment: This sequence change replaces histidine, which is basic and polar, with asparagine, which is neutral and polar, at codon 625 of the DLL1 protein (p.His625Asn). This variant is not present in population databases (gnomAD no frequency). This variant has not been reported in the literature in individuals affected with DLL1-related conditions. ClinVar contains an entry for this variant (Variation ID: 1365645). An algorithm developed to predict the effect of missense changes on protein structure and function outputs the following: PolyPhen-2: "Benign". The asparagine amino acid residue is found in multiple mammalian species, which suggests that this missense change does not adversely affect protein function. In summary, the available evidence is currently insufficient to determine the role of this variant in disease. Therefore, it has been classified as a Variant of Uncertain Significance.

NM_005618.4(DLL1):c.1873C>A (p.His625Asn)

Gene: DLL1 (delta like canonical Notch ligand 1; minus strand). Cytogenetic location: 6q27.
Variant type: single nucleotide variant.
Coding change: c.1873C>A on transcript NM_005618.4 (MANE Select); coding-DNA position 1873, C replaced by A.
Protein change: p.His625Asn; replaces histidine 625 with asparagine.
Molecular consequence: missense variant.
Genome position (GRCh38, 1-based): chr6:170,283,406, G>T on the plus strand (C>A on the coding strand, the complement: DLL1 is on the minus strand). VCF-style: chr6-170283406-G-T. GRCh37 (hg19) VCF-style: chr6-170592494-G-T.
Other names: short protein forms H625N.
Identifiers: ClinVar variation 1365645 (VCV001365645.30), dbSNP rs769630735, ClinGen allele CA152190078.